The following is an entry in ClinVar:

ClinVar aggregate classification (germline): Uncertain significance (1 of 4 stars; one submission).

Submission:

GeneDx
Classification: Uncertain significance. Last evaluated: 2026-04-03. Review status: criteria provided, single submitter. Criteria: GeneDx Variant Classification Process June 2021. Collection method: clinical testing. Allele origin: germline.
Comment: Not observed at significant frequency in large population cohorts (gnomAD); In silico analysis suggests that this missense variant does not alter protein structure/function; Has not been previously published as pathogenic or benign to our knowledge

NM_001077653.2(TBX20):c.1089G>C (p.Gln363His)

Gene: TBX20 (T-box transcription factor 20; minus strand). Cytogenetic location: 7p14.2.
Variant type: single nucleotide variant.
Coding change: c.1089G>C on transcript NM_001077653.2 (MANE Select); coding-DNA position 1089, G replaced by C.
Protein change: p.Gln363His; replaces glutamine 363 with histidine.
Molecular consequence: missense variant.
Genome position (GRCh38, 1-based): chr7:35,202,685, C>G on the plus strand (G>C on the coding strand, the complement: TBX20 is on the minus strand). VCF-style: chr7-35202685-C-G. GRCh37 (hg19) VCF-style: chr7-35242297-C-G.
Other names: short protein forms Q363H.
Identifiers: ClinVar variation 5017785 (VCV005017785.1).